The following is an entry in ClinVar:

NM_000059.4(BRCA2):c.2890A>G (p.Lys964Glu)

Gene: BRCA2 (BRCA2 DNA repair associated; plus strand). Cytogenetic location: 13q13.1.
Variant type: single nucleotide variant.
Coding change: c.2890A>G on transcript NM_000059.4 (MANE Select); coding-DNA position 2890, A replaced by G.
Protein change: p.Lys964Glu; replaces lysine 964 with glutamic acid.
Molecular consequence: missense variant. On other transcripts: non-coding transcript variant (1), intron variant (2).
Genome position (GRCh38, 1-based): chr13:32,337,245, A>G. VCF-style: chr13-32337245-A-G. GRCh37 (hg19) VCF-style: chr13-32911382-A-G.
Other names: c.2890A>G, p.Lys964Glu (NM_001406719.1, NM_001406720.1, NM_001432077.1); c.1909+3858A>G (NM_001406721.1); c.424+6215A>G (NM_001406722.1); short protein forms K964E.
Identifiers: ClinVar variation 3825467 (VCV003825467.1).

ClinVar aggregate classification (germline): Uncertain significance (1 of 4 stars; one submission).

Conditions:
Hereditary cancer-predisposing syndrome. Also called: Hereditary neoplastic syndrome; Neoplastic Syndromes, Hereditary; Tumor predisposition; Hereditary Cancer Syndrome. Identifiers: Orphanet 140162, MedGen C0027672, MeSH D009386, MONDO:0015356.

Submission:

Ambry Genetics
Classification: Uncertain significance for Hereditary cancer-predisposing syndrome. Last evaluated: 2025-03-07. Review status: criteria provided, single submitter. Criteria: Ambry Variant Classification Scheme 2023. Collection method: clinical testing. Allele origin: germline.
Comment: The p.K964E variant (also known as c.2890A>G), located in coding exon 10 of the BRCA2 gene, results from an A to G substitution at nucleotide position 2890. The lysine at codon 964 is replaced by glutamic acid, an amino acid with similar properties. This amino acid position is not well conserved in available vertebrate species. In addition, this alteration is predicted to be tolerated by in silico analysis. Based on the available evidence, the clinical significance of this variant remains unclear.